The following is an entry in ClinVar:

NM_018121.4(SLF2):c.915_915+2del

Gene: SLF2 (SMC5/6 complex localization factor 2; plus strand). Cytogenetic location: 10q24.31.
Variant type: Deletion.
Coding change: c.915_915+2del on transcript NM_018121.4 (MANE Select); coding-DNA position 915 through the canonical splice donor site of the intron after coding-DNA position 915, 3 bases deleted (GGT; older notation c.915_915+2delGGT).
Molecular consequence: splice donor variant.
Genome position (GRCh38, 1-based): chr10:100,917,300-100,917,302, GGT deleted; deleting any 3 consecutive bases within chr10:100,917,298-100,917,302 gives the same sequence; the c. name uses the placement nearest the transcript's 3' end. VCF-style (leftmost placement, unchanged base first): chr10-100917297-TGTG-T. GRCh37 (hg19) VCF-style: chr10-102677054-TGTG-T.
Other names: c.915_915+2del (NM_001136123.2); c.915_915+2delGGT (NM_018121.4).
Identifiers: ClinVar variation 4850587 (VCV004850587.1).

ClinVar aggregate classification (germline): Likely pathogenic (1 of 4 stars; one submission).

Conditions:
Atelis syndrome 1 (ATELS1). Also called: POOR GROWTH, MICROCEPHALY, DEVELOPMENTAL DELAY, AND ANEMIA; MOSAIC VARIEGATED ANEUPLOIDY SYNDROME 5. Identifiers: MedGen C5774281, MONDO:0859575, OMIM 620184.

Submission:

First Genomix Gene Laboratory, Genetic Diagnostics Department
Classification: Likely pathogenic for Atelis syndrome 1. Last evaluated: 2025-08-05. Review status: criteria provided, single submitter. Criteria: ACMG Guidelines, 2015. Collection method: clinical testing. Allele origin: germline. Inheritance: Autosomal recessive inheritance. Affected: no. Observed: 1 variant allele.